The following is an entry in ClinVar:

ClinVar aggregate classification (germline): Pathogenic (1 of 4 stars; one submission).

Submission:

Labcorp Genetics (formerly Invitae), Labcorp
Classification: Pathogenic. Last evaluated: 2026-01-23. Review status: criteria provided, single submitter. Criteria: Invitae Variant Classification Sherloc (09022015). Collection method: clinical testing. Allele origin: germline.
Comment: This sequence change creates a premature translational stop signal (p.Pro2031Valfs*3) in the ZNF469 gene. While this is not anticipated to result in nonsense mediated decay, it is expected to disrupt the last 1895 amino acid(s) of the ZNF469 protein. This variant is not present in population databases (gnomAD no frequency). This variant has not been reported in the literature in individuals affected with ZNF469-related conditions. This variant disrupts a region of the ZNF469 protein in which other variant(s) (p.Pro3556Glnfs*136) have been determined to be pathogenic (PMID: 32671420). This suggests that this is a clinically significant region of the protein, and that variants that disrupt it are likely to be disease-causing. For these reasons, this variant has been classified as Pathogenic.

Literature cited by the submitters: PubMed 32671420.

NM_001367624.2(ZNF469):c.6175_6176del (p.Pro2059fs)

Gene: ZNF469 (zinc finger protein 469; plus strand). Cytogenetic location: 16q24.2.
Variant type: Deletion.
Coding change: c.6175_6176del on transcript NM_001367624.2 (MANE Select); coding-DNA positions 6175 to 6176, 2 bases deleted (CC; older notation c.6175_6176delCC).
Protein change: p.Pro2059fs; shifts the reading frame from proline 2059.
Molecular consequence: frameshift variant.
Genome position (GRCh38, 1-based): chr16:88,433,645-88,433,646, CC deleted; deleting any 2 consecutive bases within chr16:88,433,641-88,433,646 gives the same sequence; the c. name uses the placement nearest the transcript's 3' end. VCF-style (leftmost placement, unchanged base first): chr16-88433640-GCC-G. GRCh37 (hg19) VCF-style: chr16-88500048-GCC-G.
Other names: short protein forms P2059fs.
Identifiers: ClinVar variation 4736023 (VCV004736023.1).